The following is an entry in ClinVar:

ClinVar aggregate classification (germline): Conflicting classifications of pathogenicity. Review status: criteria provided, conflicting classifications (1 of 4 stars). 3 submissions from 3 submitters: Pathogenic (1); Likely pathogenic (1); Uncertain significance (1). Last evaluated 2025-07-14.

Conditions:
Inborn genetic diseases. Identifiers: MedGen C0950123, MeSH D030342.
Sulfite oxidase deficiency. Also called: Isolated sulfite oxidase deficiency. Identifiers: Orphanet 833, Orphanet 99731, MedGen C0268624, MONDO:0010089, OMIM 272300, HP:0003643.

Allele frequency attached by ClinVar (database versions not stated): ExAC 0.00001; gnomAD exomes 0.00001 and 0.00002; gnomAD 0.00003; TOPMed 0.00004.
gnomAD v4.1: 24 of 1,614,026 alleles (0.0015%); highest among the groups gnomAD compares: African/African-American, 0.004%; no homozygotes.

Submissions (3):

Labcorp Genetics (formerly Invitae), Labcorp
Classification: Likely pathogenic for Sulfite oxidase deficiency. Last evaluated: 2025-07-14. Review status: criteria provided, single submitter. Criteria: Invitae Variant Classification Sherloc (09022015). Collection method: clinical testing. Allele origin: germline.
Comment: This sequence change replaces arginine, which is basic and polar, with tryptophan, which is neutral and slightly polar, at codon 217 of the SUOX protein (p.Arg217Trp). This variant is present in population databases (rs765738385, gnomAD 0.008%). This variant has not been reported in the literature in individuals affected with SUOX-related conditions. ClinVar contains an entry for this variant (Variation ID: 985679). Invitae Evidence Modeling of protein sequence and biophysical properties (such as structural, functional, and spatial information, amino acid conservation, physicochemical variation, residue mobility, and thermodynamic stability) indicates that this missense variant is expected to disrupt SUOX protein function with a positive predictive value of 95%. Experimental studies have shown that this missense change affects SUOX function (PMID: 34420858). This variant disrupts the p.Arg217 amino acid residue in SUOX. Other variant(s) that disrupt this residue have been determined to be pathogenic (PMID: 9600976, 12368985). This suggests that this residue is clinically significant, and that variants that disrupt this residue are likely to be disease-causing. In summary, the currently available evidence indicates that the variant is pathogenic, but additional data are needed to prove that conclusively. Therefore, this variant has been classified as Likely Pathogenic.

Women's Health and Genetics/Laboratory Corporation of America, LabCorp
Classification: Uncertain significance. Last evaluated: 2024-08-06. Review status: criteria provided, single submitter. Criteria: LabCorp Variant Classification Summary - May 2015. Collection method: clinical testing. Allele origin: germline.
Comment: Variant summary: SUOX c.649C>T (p.Arg217Trp) results in a non-conservative amino acid change in the encoded protein sequence. Five of five in-silico tools predict a damaging effect of the variant on protein function. The variant allele was found at a frequency of 2.4e-05 in 251484 control chromosomes. The available data on variant occurrences in the general population are insufficient to allow any conclusion about variant significance. To our knowledge, no occurrence of c.649C>T in individuals affected with Sulfite Oxidase Deficiency and no experimental evidence demonstrating its impact on protein function have been reported. ClinVar contains an entry for this variant (Variation ID: 985679). Based on the evidence outlined above, the variant was classified as uncertain significance.

Ambry Genetics
Classification: Pathogenic for Inborn genetic diseases. Last evaluated: 2018-04-27. Review status: criteria provided, single submitter. Criteria: Ambry exome assertion method (8-5-2015). Collection method: clinical testing. Allele origin: germline. Affected: yes. Observed: 1 variant allele.

Literature cited by the submitters: PubMed 34420858 (cited by Labcorp Genetics (formerly Invitae), Labcorp); PubMed 9600976 (cited by Labcorp Genetics (formerly Invitae), Labcorp and Ambry Genetics); PubMed 12368985 (cited by Labcorp Genetics (formerly Invitae), Labcorp and Ambry Genetics).

NM_001032386.2(SUOX):c.649C>T (p.Arg217Trp)

Gene: SUOX (sulfite oxidase; plus strand). Cytogenetic location: 12q13.2.
Variant type: single nucleotide variant.
Coding change: c.649C>T on transcript NM_001032386.2 (MANE Select); coding-DNA position 649, C replaced by T.
Protein change: p.Arg217Trp; replaces arginine 217 with tryptophan.
Molecular consequence: missense variant.
Genome position (GRCh38, 1-based): chr12:56,004,038, C>T. VCF-style: chr12-56004038-C-T. GRCh37 (hg19) VCF-style: chr12-56397822-C-T.
Other names: c.649C>T, p.Arg217Trp (NM_000456.3, NM_001032387.2); short protein forms R217W.
Identifiers: ClinVar variation 985679 (VCV000985679.9), dbSNP rs765738385, ClinGen allele CA6621018.